The following is an entry in ClinVar:

ClinVar aggregate classification (germline): Uncertain significance (1 of 4 stars; one submission).

Conditions:
Proliferative vasculopathy and hydranencephaly-hydrocephaly syndrome. Also called: ENCEPHALOCLASTIC PROLIFERATIVE VASCULOPATHY; HYDRANENCEPHALY, FOWLER TYPE; HYDROCEPHALY/HYDRANENCEPHALY DUE TO CEREBRAL VASCULOPATHY; Fowler syndrome. Identifiers: Orphanet 221126, MedGen C1856972, MONDO:0009168, OMIM 225790.

gnomAD v4.1: 6 of 1,604,718 alleles (0.00037%); highest among the groups gnomAD compares: Non-Finnish European, 0.00051%; no homozygotes.

Submission:

Faculty of Engineering and Natural Sciences, Biruni University
Classification: Uncertain significance for Proliferative vasculopathy and hydranencephaly-hydrocephaly syndrome. Last evaluated: 2023-04-20. Review status: criteria provided, single submitter. Criteria: ACMG Guidelines, 2015. Collection method: clinical testing. Allele origin: germline. Affected: yes. Observed: 1 variant allele.
Comment: The c.1021-7T>G variant in the FLVCR2 (NM_017791.3) gene is a splicing region variant and computational prediction tools unanimously support a deleterious effect on the gene(PP3). To our knowledge, no experimental evidence has been reported showing an effect of this change on protein function. In the gnomAD database showing the population frequency, the frequency of this variant is reported to be very low, 0.000003998(PM2). As mentioned in the previous publication (PMID: 19635601), severe seizures with hydrocephalus were observed in the common ultrasound findings of the patient. Using exome sequencing, Lalonde et al. (2010) identified compound heterozygosity for 2 mutations in the FLVCR2 gene (610865.0006 and 610865.0007).

Literature cited by the submitters: PubMed 25677735; DOI 10.1111/epi.16701; DOI https.

NM_017791.3(FLVCR2):c.1021-7T>G

Gene: FLVCR2 (FLVCR choline and putative heme transporter 2; plus strand). Cytogenetic location: 14q24.3.
Variant type: single nucleotide variant.
Coding change: c.1021-7T>G on transcript NM_017791.3 (MANE Select); 7 bases into the intron before coding-DNA position 1021, T replaced by G.
Molecular consequence: intron variant.
Genome position (GRCh38, 1-based): chr14:75,634,903, T>G. VCF-style: chr14-75634903-T-G. GRCh37 (hg19) VCF-style: chr14-76101246-T-G.
Other names: c.406-7T>G (NM_001195283.2).
Identifiers: ClinVar variation 3341083 (VCV003341083.2).